The following is an entry in ClinVar:

ClinVar aggregate classification (germline): Uncertain significance (1 of 4 stars; one submission).

Conditions:
Generalized epilepsy with febrile seizures plus, type 7 (GEFSP7). Also called: GEFS+, TYPE 7. Identifiers: Orphanet 36387, MedGen C2751778, MONDO:0013470, OMIM 613863.
Neuropathy, hereditary sensory and autonomic, type 2A (HSAN2A). Also called: NEUROPATHY, CONGENITAL SENSORY; NEUROPATHY, HEREDITARY SENSORY RADICULAR, AUTOSOMAL RECESSIVE; NEUROPATHY, HEREDITARY SENSORY, TYPE IIA; NEUROPATHY, PROGRESSIVE SENSORY, OF CHILDREN; WNK1-Related HSAN2 (HSAN2A); MORVAN DISEASE. Identifiers: Orphanet 970, MedGen C2752089, MONDO:0024309, OMIM 201300.

Allele frequency attached by ClinVar (database versions not stated): gnomAD exomes below 0.00001 and 0.00001; ExAC 0.00001; gnomAD 0.00001; ESP Exome Variant Server 0.00008.
gnomAD v4.1: 18 of 1,612,730 alleles (0.0011%); highest among the groups gnomAD compares: Non-Finnish European, 0.0014%; no homozygotes.

Submission:

Labcorp Genetics (formerly Invitae), Labcorp
Classification: Uncertain significance for Neuropathy, hereditary sensory and autonomic, type 2A; Generalized epilepsy with febrile seizures plus, type 7. Last evaluated: 2025-08-25. Review status: criteria provided, single submitter. Criteria: Invitae Variant Classification Sherloc (09022015). Collection method: clinical testing. Allele origin: germline.
Comment: This sequence change replaces serine, which is neutral and polar, with cysteine, which is neutral and slightly polar, at codon 1529 of the SCN9A protein (p.Ser1529Cys). This variant is present in population databases (rs202145429, gnomAD 0.004%). This variant has not been reported in the literature in individuals affected with SCN9A-related conditions. ClinVar contains an entry for this variant (Variation ID: 1036702). Invitae Evidence Modeling of protein sequence and biophysical properties (such as structural, functional, and spatial information, amino acid conservation, physicochemical variation, residue mobility, and thermodynamic stability) indicates that this missense variant is not expected to disrupt SCN9A protein function with a negative predictive value of 80%. In summary, the available evidence is currently insufficient to determine the role of this variant in disease. Therefore, it has been classified as a Variant of Uncertain Significance.

NM_001365536.1(SCN9A):c.4618A>T (p.Ser1540Cys)

Genes: SCN9A (sodium voltage-gated channel alpha subunit 9; minus strand), SCN1A-AS1 (SCN1A and SCN9A antisense RNA 1; plus strand). Cytogenetic location: 2q24.3.
Variant type: single nucleotide variant.
Coding change: c.4618A>T on transcript NM_001365536.1 (MANE Select); coding-DNA position 4618, A replaced by T.
Protein change: p.Ser1540Cys; replaces serine 1540 with cysteine.
Molecular consequence: missense variant.
Genome position (GRCh38, 1-based): chr2:166,204,111, T>A on the plus strand (A>T on the coding strand, the complement: SCN9A is on the minus strand). VCF-style: chr2-166204111-T-A. GRCh37 (hg19) VCF-style: chr2-167060621-T-A.
Other names: c.4585A>T, p.Ser1529Cys (NM_002977.4); short protein forms S1529C, S1540C.
Identifiers: ClinVar variation 1036702 (VCV001036702.9), dbSNP rs202145429, ClinGen allele CA1943819.